The following is an entry in ClinVar:

NM_006060.6(IKZF1):c.4G>C (p.Asp2His)

Gene: IKZF1 (IKAROS family zinc finger 1; plus strand). Cytogenetic location: 7p12.2.
Variant type: single nucleotide variant.
Coding change: c.4G>C on transcript NM_006060.6 (MANE Select); coding-DNA position 4, G replaced by C.
Protein change: p.Asp2His; replaces aspartic acid 2 with histidine.
Molecular consequence: missense variant.
Genome position (GRCh38, 1-based): chr7:50,319,065, G>C. VCF-style: chr7-50319065-G-C. GRCh37 (hg19) VCF-style: chr7-50358661-G-C.
Other names: c.4G>C, p.Asp2His (NM_001220765.3, NM_001220767.2, NM_001220768.2 and 14 more transcripts); short protein forms D2H.
Identifiers: ClinVar variation 3372876 (VCV003372876.1).

ClinVar aggregate classification (germline): Uncertain significance (1 of 4 stars; one submission).

gnomAD v4.1: 5 of 1,613,090 alleles (0.00031%); highest among the groups gnomAD compares: Non-Finnish European, 0.00042%; no homozygotes.

Submission:

GeneDx
Classification: Uncertain significance. Last evaluated: 2024-04-23. Review status: criteria provided, single submitter. Criteria: GeneDx Variant Classification Process June 2021. Collection method: clinical testing. Allele origin: germline. Affected: yes.
Comment: Not observed at significant frequency in large population cohorts (gnomAD); In silico analysis supports that this missense variant has a deleterious effect on protein structure/function; Has not been previously published as pathogenic or benign to our knowledge